The following is an entry in ClinVar:

NM_017613.4(DONSON):c.607-36G>A

Gene: DONSON (DNA replication fork stabilization factor DONSON; minus strand). Cytogenetic location: 21q22.11.
Variant type: single nucleotide variant.
Coding change: c.607-36G>A on transcript NM_017613.4 (MANE Select); 36 bases into the intron before coding-DNA position 607, G replaced by A.
Molecular consequence: intron variant.
Genome position (GRCh38, 1-based): chr21:33,584,804, C>T on the plus strand (G>A on the coding strand, the complement: DONSON is on the minus strand). VCF-style: chr21-33584804-C-T. GRCh37 (hg19) VCF-style: chr21-34957110-C-T.
Identifiers: ClinVar variation 1173062 (VCV001173062.2), dbSNP rs752810960, ClinGen allele CA10010563.

ClinVar aggregate classification (germline): Pathogenic (1 of 4 stars; one submission).

Conditions:
Meier-Gorlin syndrome (MGORS1). Identifiers: Orphanet 2554, MedGen C1868684, MONDO:0016817. Disease mechanism: gain of function.

Allele frequency attached by ClinVar (database versions not stated): ExAC 0.00001.
gnomAD v4.1: 1 of 1,441,216 alleles (0.000069%); highest among the groups gnomAD compares: South Asian, 0.0016%; no homozygotes.

Submission:

Bicknell laboratory, University of Otago
Classification: Pathogenic for Meier-Gorlin syndrome. Review status: criteria provided, single submitter. Criteria: ACMG Guidelines, 2015. Collection method: research. Allele origin: inherited. Affected: yes.
Comment: Occurred as compound het with c.494T>C

Literature cited by the submitters: PubMed 31784481.